The following is an entry in ClinVar:

NM_001042517.2(DIAPH3):c.1571A>G (p.Gln524Arg)

Gene: DIAPH3 (diaphanous related formin 3; minus strand). Cytogenetic location: 13q21.2.
Variant type: single nucleotide variant.
Coding change: c.1571A>G on transcript NM_001042517.2 (MANE Select); coding-DNA position 1571, A replaced by G.
Protein change: p.Gln524Arg; replaces glutamine 524 with arginine.
Molecular consequence: missense variant.
Genome position (GRCh38, 1-based): chr13:59,974,431, T>C on the plus strand (A>G on the coding strand, the complement: DIAPH3 is on the minus strand). VCF-style: chr13-59974431-T-C. GRCh37 (hg19) VCF-style: chr13-60548565-T-C.
Other names: c.1538A>G, p.Gln513Arg (NM_001258366.2); c.1433A>G, p.Gln478Arg (NM_001258367.2); c.1361A>G, p.Gln454Arg (NM_001258368.2); c.1571A>G, p.Gln524Arg (NM_001258369.2); c.782A>G, p.Gln261Arg (NM_001258370.2, NM_030932.4); short protein forms Q524R, Q454R, Q513R, Q261R, Q478R.
Identifiers: ClinVar variation 512677 (VCV000512677.15), dbSNP rs183098317, ClinGen allele CA6996635.
Genomic context (GRCh38, chr13:59,974,431, plus strand): 5'-AGCTCTGCTTGAAGCTCATTAATCTTTGCCTCTTTTTTCTGCAATTCAGCCTGAGTTTCT[T>C]GGTGGTCGGTAAACTCTTTTTCAAACTGAAACAAATTAAAAATAATAACAAAAACAGGAA-3'
Protein context (NP_001035982.1, residues 514-534): KKFEKEFTDH[Gln524Arg]ETQAELQKKE

ClinVar aggregate classification (germline): Benign. Review status: criteria provided, multiple submitters, no conflicts (2 of 4 stars). 4 submissions from 4 submitters: Benign (3). 1 of the submissions does not count toward it. Last evaluated 2026-01-18.

Conditions:
DIAPH3-related disorder. Also called: DIAPH3-related condition.

Allele frequency attached by ClinVar (database versions not stated): gnomAD exomes 0.00042 and 0.00175; ExAC 0.00127; gnomAD 0.00143; TOPMed 0.00189; 1000 Genomes Project 0.00200; 1000 Genomes Project 30x 0.00219; ESP Exome Variant Server 0.00017.
gnomAD v4.1: 829 of 1,607,392 alleles (0.052%); highest among the groups gnomAD compares: Admixed American, 1.2%; 7 homozygotes.

Submissions (4):

Labcorp Genetics (formerly Invitae), Labcorp
Classification: Benign. Last evaluated: 2026-01-18. Review status: criteria provided, single submitter. Criteria: Invitae Variant Classification Sherloc (09022015). Collection method: clinical testing. Allele origin: germline.

GeneDx
Classification: Benign. Last evaluated: 2018-01-18. Review status: criteria provided, single submitter. Criteria: GeneDx Variant Classification (06012015). Collection method: clinical testing. Allele origin: germline. Affected: yes.
Comment: This variant is considered likely benign or benign based on one or more of the following criteria: it is a conservative change, it occurs at a poorly conserved position in the protein, it is predicted to be benign by multiple in silico algorithms, and/or has population frequency not consistent with disease.

Breakthrough Genomics
Classification: Benign. Review status: criteria provided, single submitter. Criteria: ACMG Guidelines, 2015. Collection method: not provided. Allele origin: germline. Inheritance: Autosomal dominant inheritance. Affected: yes.

PreventionGenetics, part of Exact Sciences
Classification: Benign for DIAPH3-related condition. Last evaluated: 2019-09-17. Review status: no assertion criteria provided. Collection method: clinical testing. Allele origin: germline. Not counted in ClinVar's aggregate classification.
Comment: This variant is classified as benign based on ACMG/AMP sequence variant interpretation guidelines (Richards et al. 2015 PMID: 25741868, with internal and published modifications).